The following is an entry in ClinVar:

ClinVar aggregate classification (germline): Uncertain significance (1 of 4 stars; one submission).

Conditions:
Disseminated atypical mycobacterial infection. Identifiers: MedGen C0694566.

gnomAD v4.1: 2 of 1,611,686 alleles (0.00012%); highest among the groups gnomAD compares: Non-Finnish European, 0.00017%; no homozygotes.

Submission:

Labcorp Genetics (formerly Invitae), Labcorp
Classification: Uncertain significance for Disseminated atypical mycobacterial infection. Last evaluated: 2025-10-26. Review status: criteria provided, single submitter. Criteria: Invitae Variant Classification Sherloc (09022015). Collection method: clinical testing. Allele origin: germline.
Comment: This sequence change replaces threonine, which is neutral and polar, with asparagine, which is neutral and polar, at codon 21 of the IFNGR1 protein (p.Thr21Asn). This variant is not present in population databases (gnomAD no frequency). This variant has not been reported in the literature in individuals affected with IFNGR1-related conditions. An algorithm developed to predict the effect of missense changes on protein structure and function (PolyPhen-2) suggests that this variant is likely to be disruptive. In summary, the available evidence is currently insufficient to determine the role of this variant in disease. Therefore, it has been classified as a Variant of Uncertain Significance.

NM_000416.3(IFNGR1):c.62C>A (p.Thr21Asn)

Gene: IFNGR1 (interferon gamma receptor 1; minus strand). Cytogenetic location: 6q23.3.
Variant type: single nucleotide variant.
Coding change: c.62C>A on transcript NM_000416.3 (MANE Select); coding-DNA position 62, C replaced by A.
Protein change: p.Thr21Asn; replaces threonine 21 with asparagine.
Molecular consequence: missense variant.
Genome position (GRCh38, 1-based): chr6:137,219,266, G>T on the plus strand (C>A on the coding strand, the complement: IFNGR1 is on the minus strand). VCF-style: chr6-137219266-G-T. GRCh37 (hg19) VCF-style: chr6-137540403-G-T.
Other names: short protein forms T21N.
Identifiers: ClinVar variation 4763176 (VCV004763176.1).